The following is an entry in ClinVar:

NM_017547.4(FOXRED1):c.86-1G>C

Gene: FOXRED1 (FAD dependent oxidoreductase domain containing 1; plus strand). Cytogenetic location: 11q24.2.
Variant type: single nucleotide variant.
Coding change: c.86-1G>C on transcript NM_017547.4 (MANE Select); the canonical splice acceptor site of the intron before coding-DNA position 86, G replaced by C.
Molecular consequence: splice acceptor variant.
Genome position (GRCh38, 1-based): chr11:126,271,436, G>C. VCF-style: chr11-126271436-G-C. GRCh37 (hg19) VCF-style: chr11-126141331-G-C.
Other names: c.-426G>C (NM_001425170.1).
Identifiers: ClinVar variation 2757456 (VCV002757456.3), dbSNP rs768720209, ClinGen allele CA383228871.

ClinVar aggregate classification (germline): Pathogenic (1 of 4 stars; one submission).

gnomAD v4.1: 1 of 1,607,962 alleles (0.000062%); highest among the groups gnomAD compares: Non-Finnish European, 0.000085%; no homozygotes.

Submission:

Labcorp Genetics (formerly Invitae), Labcorp
Classification: Pathogenic. Last evaluated: 2023-09-03. Review status: criteria provided, single submitter. Criteria: Invitae Variant Classification Sherloc (09022015). Collection method: clinical testing. Allele origin: germline.
Comment: For these reasons, this variant has been classified as Pathogenic. Algorithms developed to predict the effect of sequence changes on RNA splicing suggest that this variant may disrupt the consensus splice site. Disruption of this splice site has been observed in individual(s) with clinical features of mitochondrial complex I deficiency (PMID: 32573669). In at least one individual the data is consistent with being in trans (on the opposite chromosome) from a pathogenic variant. This variant is not present in population databases (gnomAD no frequency). This sequence change affects an acceptor splice site in intron 1 of the FOXRED1 gene. It is expected to disrupt RNA splicing. Variants that disrupt the donor or acceptor splice site typically lead to a loss of protein function (PMID: 16199547), and loss-of-function variants in FOXRED1 are known to be pathogenic (PMID: 20818383, 20858599).

Literature cited by the submitters: PubMed 32573669; PubMed 16199547; PubMed 20818383; PubMed 20858599.